The following is an entry in ClinVar:

NM_003072.5(SMARCA4):c.227T>C (p.Met76Thr)

Gene: SMARCA4 (SWI/SNF related BAF chromatin remodeling complex subunit ATPase 4; plus strand). Cytogenetic location: 19p13.2.
Variant type: single nucleotide variant.
Coding change: c.227T>C on transcript NM_003072.5 (MANE Select); coding-DNA position 227, T replaced by C.
Protein change: p.Met76Thr; replaces methionine 76 with threonine.
Molecular consequence: missense variant. On other transcripts: non-coding transcript variant (1).
Genome position (GRCh38, 1-based): chr19:10,985,277, T>C. VCF-style: chr19-10985277-T-C. GRCh37 (hg19) VCF-style: chr19-11095953-T-C.
Other names: c.227T>C, p.Met76Thr (NM_001128844.3, NM_001128845.2, NM_001128846.2 and 5 more transcripts); short protein forms M76T.
Identifiers: ClinVar variation 658390 (VCV000658390.16), dbSNP rs1599940473, ClinGen allele CA404055078.

ClinVar aggregate classification (germline): Uncertain significance. Review status: criteria provided, multiple submitters, no conflicts (2 of 4 stars). 3 submissions from 3 submitters: Uncertain significance (3). Last evaluated 2025-04-03.

Conditions:
Rhabdoid tumor predisposition syndrome 2 (RTPS2). Identifiers: Orphanet 231108, Orphanet 69077, MedGen C2750074, MONDO:0013224, OMIM 613325.
Hereditary cancer-predisposing syndrome. Also called: Hereditary neoplastic syndrome; Neoplastic Syndromes, Hereditary; Hereditary Cancer Syndrome; Tumor predisposition. Identifiers: Orphanet 140162, MedGen C0027672, MeSH D009386, MONDO:0015356.
Intellectual disability, autosomal dominant 16 (CSS4). Also called: COFFIN-SIRIS SYNDROME 4. Identifiers: Orphanet 1465, MedGen C3553249, MONDO:0013821, OMIM 614609.

Allele frequency attached by ClinVar (database versions not stated): gnomAD exomes below 0.00001.
gnomAD v4.1: 2 of 1,613,686 alleles (0.00012%); highest among the groups gnomAD compares: Non-Finnish European, 0.00017%; no homozygotes.

Submissions (3):

Ambry Genetics
Classification: Uncertain significance for Hereditary cancer-predisposing syndrome. Last evaluated: 2025-04-03. Review status: criteria provided, single submitter. Criteria: Ambry Variant Classification Scheme 2023. Collection method: clinical testing. Allele origin: germline.
Comment: The p.M76T variant (also known as c.227T>C), located in coding exon 2 of the SMARCA4 gene, results from a T to C substitution at nucleotide position 227. The methionine at codon 76 is replaced by threonine, an amino acid with similar properties. This amino acid position is well conserved in available vertebrate species. Since supporting evidence is limited at this time, the clinical significance of this alteration remains unclear.

Labcorp Genetics (formerly Invitae), Labcorp
Classification: Uncertain significance for Rhabdoid tumor predisposition syndrome 2. Last evaluated: 2025-03-17. Review status: criteria provided, single submitter. Criteria: Invitae Variant Classification Sherloc (09022015). Collection method: clinical testing. Allele origin: germline.
Comment: This sequence change replaces methionine, which is neutral and non-polar, with threonine, which is neutral and polar, at codon 76 of the SMARCA4 protein (p.Met76Thr). This variant is not present in population databases (gnomAD no frequency). This variant has not been reported in the literature in individuals affected with SMARCA4-related conditions. ClinVar contains an entry for this variant (Variation ID: 658390). Invitae Evidence Modeling of protein sequence and biophysical properties (such as structural, functional, and spatial information, amino acid conservation, physicochemical variation, residue mobility, and thermodynamic stability) indicates that this missense variant is not expected to disrupt SMARCA4 protein function with a negative predictive value of 95%. In summary, the available evidence is currently insufficient to determine the role of this variant in disease. Therefore, it has been classified as a Variant of Uncertain Significance.

Genome-Nilou Lab
Classification: Uncertain significance for Intellectual disability, autosomal dominant 16. Last evaluated: 2021-07-15. Review status: criteria provided, single submitter. Criteria: ACMG Guidelines, 2015. Collection method: clinical testing. Allele origin: germline. Affected: no.